The following is an entry in ClinVar:

NM_003384.3(VRK1):c.483+1G>T

Gene: VRK1 (VRK serine/threonine kinase 1; plus strand). Cytogenetic location: 14q32.2.
Variant type: single nucleotide variant.
Coding change: c.483+1G>T on transcript NM_003384.3 (MANE Select); the canonical splice donor site of the intron after coding-DNA position 483, G replaced by T.
Molecular consequence: splice donor variant.
Genome position (GRCh38, 1-based): chr14:96,852,940, G>T. VCF-style: chr14-96852940-G-T. GRCh37 (hg19) VCF-style: chr14-97319277-G-T.
Other names: c.483+1G>T (NM_001411051.1, NM_001411053.1).
Identifiers: ClinVar variation 4815120 (VCV004815120.1).

ClinVar aggregate classification (germline): Likely pathogenic (1 of 4 stars; one submission).

Conditions:
Pontocerebellar hypoplasia type 1A (PCH1A). Also called: PONTOCEREBELLAR HYPOPLASIA WITH ANTERIOR HORN CELL DISEASE; PONTOCEREBELLAR HYPOPLASIA WITH INFANTILE SPINAL MUSCULAR ATROPHY. Identifiers: Orphanet 2254, Orphanet 88616, MedGen C1843504, MONDO:0011866, OMIM 607596.

gnomAD v4.1: 1 of 1,613,150 alleles (0.000062%); no homozygotes.

Submission:

Natera, Inc.
Classification: Likely pathogenic for Pontocerebellar hypoplasia, type 1a. Last evaluated: 2025-09-16. Review status: criteria provided, single submitter. Criteria: Natera Variant Classification Schema (03/2026). Collection method: clinical testing. Allele origin: germline.
Comment: The c.483+1G>T variant in VRK1 is a canonical splice donor site variant predicted to affect pre-mRNA splicing, which may result in an abnormal transcript and altered protein product. This variant is expected to result in nonsense mediated decay, truncation, or a dysfunctional protein product. This variant is rare in the general population with a frequency below the threshold expected for the associated phenotype(s). Given the available evidence, this variant is classified as Likely Pathogenic.